The following is an entry in ClinVar:

ClinVar aggregate classification (germline): Likely benign (1 of 4 stars; one submission).

Conditions:
SEMA3A-related disorder. Also called: SEMA3A-related condition.

gnomAD v4.1: 1 of 1,610,738 alleles (0.000062%); highest among the groups gnomAD compares: East Asian, 0.0022%; no homozygotes.

Submission:

PreventionGenetics, part of Exact Sciences
Classification: Likely benign for SEMA3A-related condition. Last evaluated: 2026-02-20. Review status: criteria provided, single submitter. Criteria: ACMG Guidelines, 2015. Collection method: clinical testing. Allele origin: germline.
Comment: This variant is classified as likely benign based on ACMG/AMP sequence variant interpretation guidelines (Richards et al. 2015 PMID: 25741868, with internal and published modifications).

NM_006080.3(SEMA3A):c.798T>A (p.Gly266=)

Gene: SEMA3A (semaphorin 3A; minus strand). Cytogenetic location: 7q21.11.
Variant type: single nucleotide variant.
Coding change: c.798T>A on transcript NM_006080.3 (MANE Select); coding-DNA position 798, T replaced by A.
Protein change: p.Gly266=; no amino-acid change (glycine 266 retained).
Molecular consequence: synonymous variant.
Genome position (GRCh38, 1-based): chr7:84,014,221, A>T on the plus strand (T>A on the coding strand, the complement: SEMA3A is on the minus strand). VCF-style: chr7-84014221-A-T. GRCh37 (hg19) VCF-style: chr7-83643537-A-T.
Identifiers: ClinVar variation 4985563 (VCV004985563.1).